The following is an entry in ClinVar:

NM_014491.4(FOXP2):c.258+36173G>A

Gene: FOXP2 (forkhead box P2; plus strand). Cytogenetic location: 7q31.1.
Variant type: single nucleotide variant.
Coding change: c.258+36173G>A on transcript NM_014491.4 (MANE Select); 36173 bases into the intron after coding-DNA position 258, G replaced by A.
Molecular consequence: intron variant. On other transcripts: missense variant (2), non-coding transcript variant (1).
Genome position (GRCh38, 1-based): chr7:114,570,879, G>A. VCF-style: chr7-114570879-G-A. GRCh37 (hg19) VCF-style: chr7-114210934-G-A.
Other names: c.258+36173G>A (NM_001172766.3, NM_148899.3, NM_148900.4); c.331G>A, p.Ala111Thr (NM_001172767.2, NM_148898.4); short protein forms A111T.
Identifiers: ClinVar variation 1699016 (VCV001699016.3), dbSNP rs747951230, ClinGen allele CA368963193.
Genomic context (GRCh38, chr7:114,570,879, plus strand): 5'-GAAACAAAATTATGTATCTGTGGCCACTCTTCTGGTGATGGGCATCCTCACAACACATTT[G>A]CAGTAAGTTACACTGGGCAATTAGAAATTCAGCTACTAGGCACAAGGCCATGGACCCAGT-3'

ClinVar aggregate classification (germline): Uncertain significance (1 of 4 stars; one submission).

Conditions:
Childhood apraxia of speech (SPCH1). Also called: DEVELOPMENTAL VERBAL DYSPRAXIA; SPEECH AND LANGUAGE DISORDER WITH OROFACIAL DYSPRAXIA; FOXP2-Related Speech and Language Disorder; Speech language disorder. Identifiers: Orphanet 209908, MedGen C0750927, MONDO:0011184, OMIM 602081.

Submission:

Victorian Clinical Genetics Services, Murdoch Childrens Research Institute
Classification: Uncertain significance for Childhood apraxia of speech. Last evaluated: 2020-05-21. Review status: criteria provided, single submitter. Criteria: ACMG Guidelines, 2015. Collection method: clinical testing. Allele origin: germline. Inheritance: Autosomal dominant inheritance. Affected: yes.
Comment: Based on the classification scheme VCGS_Germline_v1.1.1, this variant is classified as 3C-VUS. Following criteria are met: 0102 - Loss-of-function is a known mechanism of disease for this gene. (N) 0107 - This gene is known to be associated with autosomal dominant disease. (N) 0200 - Variant is predicted to result in a missense amino acid change from alanine to threonine (exon 4). NB: this variant is non-coding in alternative transcripts. (N) 0251 - Variant is heterozygous. (N) 0301 - Variant is absent from gnomAD. (P) 0503 - Missense variant consistently predicted to be tolerated or not conserved in mammals with a minor amino acid change. (B) 0604 - Variant is not located in an established domain, motif, hotspot or informative constraint region. (N) 0705 - No comparable variants have previous evidence for pathogenicity. (N) 0807 - Variant has not previously been reported in a clinical context. (N) 0905 - No segregation evidence has been identified for this variant. (N) 1007 - No published functional evidence has been identified for this variant. (N) 1208 - Inheritance information for this variant is not currently available. (N) Legend: (P) - Pathogenic, (N) - Neutral, (B) - Benign